The following is an entry in ClinVar:

ClinVar aggregate classification (germline): Uncertain significance (1 of 4 stars; one submission).

Conditions:
Cardiovascular phenotype. Identifiers: MedGen CN230736.

Allele frequency attached by ClinVar (database versions not stated): gnomAD exomes below 0.00001.
gnomAD v4.1: 1 of 1,614,082 alleles (0.000062%); highest among the groups gnomAD compares: South Asian, 0.0011%; no homozygotes.

Submission:

Ambry Genetics
Classification: Uncertain significance for Cardiovascular phenotype. Last evaluated: 2023-10-16. Review status: criteria provided, single submitter. Criteria: Ambry Variant Classification Scheme 2023. Collection method: clinical testing. Allele origin: germline.
Comment: The p.A290T variant (also known as c.868G>A), located in coding exon 5 of the EPHB4 gene, results from a G to A substitution at nucleotide position 868. The alanine at codon 290 is replaced by threonine, an amino acid with similar properties. This amino acid position is conserved. In addition, this alteration is predicted to be tolerated by in silico analysis. Since supporting evidence is limited at this time, the clinical significance of this alteration remains unclear.

NM_004444.5(EPHB4):c.868G>A (p.Ala290Thr)

Gene: EPHB4 (EPH receptor B4; minus strand). Cytogenetic location: 7q22.1.
Variant type: single nucleotide variant.
Coding change: c.868G>A on transcript NM_004444.5 (MANE Select); coding-DNA position 868, G replaced by A.
Protein change: p.Ala290Thr; replaces alanine 290 with threonine.
Molecular consequence: missense variant.
Genome position (GRCh38, 1-based): chr7:100,820,237, C>T on the plus strand (G>A on the coding strand, the complement: EPHB4 is on the minus strand). VCF-style: chr7-100820237-C-T. GRCh37 (hg19) VCF-style: chr7-100417859-C-T.
Other names: short protein forms A290T.
Identifiers: ClinVar variation 3224294 (VCV003224294.1), dbSNP rs2485038013, ClinGen allele CA368577983.